The following is an entry in ClinVar:

NM_004304.5(ALK):c.1545A>C (p.Gln515His)

Gene: ALK (ALK receptor tyrosine kinase; minus strand). Cytogenetic location: 2p23.2.
Variant type: single nucleotide variant.
Coding change: c.1545A>C on transcript NM_004304.5 (MANE Select); coding-DNA position 1545, A replaced by C.
Protein change: p.Gln515His; replaces glutamine 515 with histidine.
Molecular consequence: missense variant.
Genome position (GRCh38, 1-based): chr2:29,320,752, T>G on the plus strand (A>C on the coding strand, the complement: ALK is on the minus strand). VCF-style: chr2-29320752-T-G. GRCh37 (hg19) VCF-style: chr2-29543618-T-G.
Other names: short protein forms Q515H.
Identifiers: ClinVar variation 2095722 (VCV002095722.4), dbSNP rs2148250832, ClinGen allele CA346472172.
Genomic context (GRCh38, chr2:29,320,752, plus strand): 5'-CATCTGTCTATGTGGGCATGAAGATGGGCACCAGAGAGAAGGCAGGAGAGCAGTAGTACC[T>G]TGGTGGTCCTGGAACCGGGCATCCTTTAGGGTCCTGACCTGCCATTGAGGAGTGTGGGGT-3'
Protein context (NP_004295.2, residues 505-525): TLKDARFQDH[Gln515His]DHALLLSTTD

ClinVar aggregate classification (germline): Uncertain significance (1 of 4 stars; one submission).

Conditions:
Neuroblastoma, susceptibility to, 3. Also called: ALK-Related Neuroblastic Tumor Susceptibility. Identifiers: Orphanet 635, MedGen C2751681, MONDO:0013083, OMIM 613014.

Submission:

Labcorp Genetics (formerly Invitae), Labcorp
Classification: Uncertain significance for Neuroblastoma, susceptibility to, 3. Last evaluated: 2022-02-09. Review status: criteria provided, single submitter. Criteria: Invitae Variant Classification Sherloc (09022015). Collection method: clinical testing. Allele origin: germline.
Comment: Algorithms developed to predict the effect of sequence changes on RNA splicing suggest that this variant may disrupt the consensus splice site. Algorithms developed to predict the effect of missense changes on protein structure and function are either unavailable or do not agree on the potential impact of this missense change (SIFT: "Deleterious"; PolyPhen-2: "Benign"; Align-GVGD: "Class C0"). In summary, the available evidence is currently insufficient to determine the role of this variant in disease. Therefore, it has been classified as a Variant of Uncertain Significance. This sequence change replaces glutamine, which is neutral and polar, with histidine, which is basic and polar, at codon 515 of the ALK protein (p.Gln515His). This variant is not present in population databases (gnomAD no frequency). This variant has not been reported in the literature in individuals affected with ALK-related conditions.